The following is an entry in ClinVar:

NM_000037.4(ANK1):c.129+2T>G

Gene: ANK1 (ankyrin 1; minus strand). Cytogenetic location: 8p11.21.
Variant type: single nucleotide variant.
Coding change: c.129+2T>G on transcript NM_000037.4 (MANE Select); the canonical splice donor site of the intron after coding-DNA position 129, T replaced by G.
Molecular consequence: splice donor variant.
Genome position (GRCh38, 1-based): chr8:41,758,034, A>C on the plus strand (T>G on the coding strand, the complement: ANK1 is on the minus strand). VCF-style: chr8-41758034-A-C. GRCh37 (hg19) VCF-style: chr8-41615552-A-C.
Other names: p.?; c.228+2T>G (NM_001142446.2); c.129+2T>G (NM_020477.3, NM_020475.3, NM_020476.3).
Identifiers: ClinVar variation 3381045 (VCV003381045.1).

ClinVar aggregate classification (germline): Likely pathogenic (1 of 4 stars; one submission).

Submission:

Mayo Clinic Laboratories, Mayo Clinic
Classification: Likely pathogenic. Last evaluated: 2024-06-17. Review status: criteria provided, single submitter. Criteria: ACMG Guidelines, 2015. Collection method: clinical testing. Allele origin: germline. Observed: 1 variant allele.
Comment: PM2_moderate, PVS1_strong